The following is an entry in ClinVar:

ClinVar aggregate classification (germline): Likely pathogenic. Review status: criteria provided, multiple submitters, no conflicts (2 of 4 stars). 3 submissions from 3 submitters: Likely pathogenic (3). Last evaluated 2025-12-18.

Conditions:
Ataxia-telangiectasia-like disorder 2 (ATLD2). Identifiers: Orphanet 438134, MedGen C4014676, MONDO:0014399, OMIM 615919.

Allele frequency attached by ClinVar (database versions not stated): gnomAD exomes below 0.00001.
gnomAD v4.1: 4 of 1,613,832 alleles (0.00025%); highest among the groups gnomAD compares: Admixed American, 0.0017%; no homozygotes.

Submissions (3):

Laboratory of Human Genetics, Universidade de São Paulo
Classification: Likely pathogenic for Ataxia-telangiectasia-like disorder 2. Last evaluated: 2025-12-18. Review status: criteria provided, single submitter. Criteria: ACMG Guidelines, 2015. Collection method: research. Allele origin: biparental. Affected: yes.
Comment: Homozygous variant classified as likely pathogenic according to ACMG/AMP guidelines (PP3, PM2, PP5).

Laboratorio de Genetica e Diagnostico Molecular, Hospital Israelita Albert Einstein
Classification: Likely pathogenic for Ataxia-telangiectasia-like disorder 2. Last evaluated: 2025-06-20. Review status: criteria provided, single submitter. Criteria: ACMG Guidelines, 2015. Collection method: clinical testing. Allele origin: germline. Affected: yes.
Comment: ACMG classification criteria: PS3 supporting, PM2 supporting, PM3 moderate, PP2 supporting, PP3 supporting

Mendelics
Classification: Likely pathogenic for Ataxia-telangiectasia-like disorder 2. Last evaluated: 2019-05-28. Review status: criteria provided, single submitter. Criteria: Mendelics Assertion Criteria 2017. Collection method: clinical testing. Allele origin: unknown.

NM_182649.2(PCNA):c.443G>C (p.Cys148Ser)

Gene: PCNA (proliferating cell nuclear antigen; minus strand). Cytogenetic location: 20p12.3.
Variant type: single nucleotide variant.
Coding change: c.443G>C on transcript NM_182649.2 (MANE Select); coding-DNA position 443, G replaced by C.
Protein change: p.Cys148Ser; replaces cysteine 148 with serine.
Molecular consequence: missense variant.
Genome position (GRCh38, 1-based): chr20:5,117,609, C>G on the plus strand (G>C on the coding strand, the complement: PCNA is on the minus strand). VCF-style: chr20-5117609-C-G. GRCh37 (hg19) VCF-style: chr20-5098255-C-G.
Other names: c.443G>C, p.Cys148Ser (NM_002592.2); short protein forms C148S.
Identifiers: ClinVar variation 803596 (VCV000803596.3), dbSNP rs1274412848, ClinGen allele CA408160657.